The following is an entry in ClinVar:

NM_001042681.2(RERE):c.3407A>G (p.His1136Arg)

Gene: RERE (arginine-glutamic acid dipeptide repeats; minus strand). Cytogenetic location: 1p36.23.
Variant type: single nucleotide variant.
Coding change: c.3407A>G on transcript NM_001042681.2 (MANE Select); coding-DNA position 3407, A replaced by G.
Protein change: p.His1136Arg; replaces histidine 1136 with arginine.
Molecular consequence: missense variant.
Genome position (GRCh38, 1-based): chr1:8,359,975, T>C on the plus strand (A>G on the coding strand, the complement: RERE is on the minus strand). VCF-style: chr1-8359975-T-C. GRCh37 (hg19) VCF-style: chr1-8420035-T-C.
Other names: c.1745A>G, p.His582Arg (NM_001042682.2); c.3407A>G, p.His1136Arg (NM_012102.4); short protein forms H1136R, H582R.
Identifiers: ClinVar variation 3390838 (VCV003390838.1).

ClinVar aggregate classification (germline): Uncertain significance (1 of 4 stars; one submission).

gnomAD v4.1: 3 of 1,612,624 alleles (0.00019%); highest among the groups gnomAD compares: Admixed American, 0.0017%; no homozygotes.

Submission:

GeneDx
Classification: Uncertain significance. Last evaluated: 2024-06-09. Review status: criteria provided, single submitter. Criteria: GeneDx Variant Classification Process June 2021. Collection method: clinical testing. Allele origin: germline. Affected: yes.
Comment: Not observed at significant frequency in large population cohorts (gnomAD); In silico analysis supports that this missense variant has a deleterious effect on protein structure/function; Has not been previously published as pathogenic or benign to our knowledge